The following is an entry in ClinVar:

ClinVar aggregate classification (germline): Uncertain significance. Review status: criteria provided, multiple submitters, no conflicts (2 of 4 stars). 2 submissions from 2 submitters: Uncertain significance (2). Last evaluated 2025-06-02.

Conditions:
Inborn genetic diseases. Identifiers: MedGen C0950123, MeSH D030342.

Submissions (2):

Ambry Genetics
Classification: Uncertain significance for Inborn genetic diseases. Last evaluated: 2025-06-02. Review status: criteria provided, single submitter. Criteria: Ambry Variant Classification Scheme 2023. Collection method: clinical testing. Allele origin: germline.
Comment: The p.E417V variant (also known as c.1250A>T), located in coding exon 7 of the FANCM gene, results from an A to T substitution at nucleotide position 1250. The glutamic acid at codon 417 is replaced by valine, an amino acid with dissimilar properties. This amino acid position is conserved. In addition, this alteration is predicted to be tolerated by in silico analysis. Based on the available evidence, the clinical significance of this variant remains unclear.

GeneDx
Classification: Uncertain significance. Last evaluated: 2023-10-04. Review status: criteria provided, single submitter. Criteria: GeneDx Variant Classification Process June 2021. Collection method: clinical testing. Allele origin: germline. Affected: yes.
Comment: Not observed at significant frequency in large population cohorts (gnomAD); In silico analysis supports that this missense variant has a deleterious effect on protein structure/function; Has not been previously published as pathogenic or benign to our knowledge

NM_020937.4(FANCM):c.1250A>T (p.Glu417Val)

Gene: FANCM (FA complementation group M; plus strand). Cytogenetic location: 14q21.2.
Variant type: single nucleotide variant.
Coding change: c.1250A>T on transcript NM_020937.4 (MANE Select); coding-DNA position 1250, A replaced by T.
Protein change: p.Glu417Val; replaces glutamic acid 417 with valine.
Molecular consequence: missense variant.
Genome position (GRCh38, 1-based): chr14:45,154,763, A>T. VCF-style: chr14-45154763-A-T. GRCh37 (hg19) VCF-style: chr14-45623966-A-T.
Other names: c.1172A>T, p.Glu391Val (NM_001308133.2); c.1250A>T, p.Glu417Val (NM_001308134.2); short protein forms E391V, E417V.
Identifiers: ClinVar variation 3252649 (VCV003252649.2), dbSNP rs2503106610.